The following is an entry in ClinVar:

NM_013275.6(ANKRD11):c.5509C>T (p.Pro1837Ser)

Gene: ANKRD11 (ankyrin repeat domain 11; minus strand). Cytogenetic location: 16q24.3.
Variant type: single nucleotide variant.
Coding change: c.5509C>T on transcript NM_013275.6 (MANE Select); coding-DNA position 5509, C replaced by T.
Protein change: p.Pro1837Ser; replaces proline 1837 with serine.
Molecular consequence: missense variant.
Genome position (GRCh38, 1-based): chr16:89,281,033, G>A on the plus strand (C>T on the coding strand, the complement: ANKRD11 is on the minus strand). VCF-style: chr16-89281033-G-A. GRCh37 (hg19) VCF-style: chr16-89347441-G-A.
Other names: c.5509C>T, p.Pro1837Ser (NM_001256182.2, NM_001256183.2); short protein forms P1837S.
Identifiers: ClinVar variation 589488 (VCV000589488.57), dbSNP rs145906515, ClinGen allele CA8241817.

ClinVar aggregate classification (germline): Benign/Likely benign. Review status: criteria provided, multiple submitters, no conflicts (2 of 4 stars). 13 submissions from 13 submitters: Benign (8); Likely benign (2). 3 of the submissions do not count toward it. Last evaluated 2026-09-01.

Conditions:
ANKRD11-related disorder. Also called: ANKRD11-related condition.
Inborn genetic diseases. Identifiers: MedGen C0950123, MeSH D030342.
KBG syndrome (KBGS). Also called: ANKRD11-Related KBG Syndrome. Identifiers: Orphanet 2332, MedGen C0220687, MONDO:0007846, OMIM 148050.

Allele frequency attached by ClinVar (database versions not stated): gnomAD 0.00393 and 0.00377; ExAC 0.00405; gnomAD exomes 0.00414; ESP Exome Variant Server 0.00423; 1000 Genomes Project 0.00200; 1000 Genomes Project 30x 0.00203; TOPMed 0.00385.

Submissions (13):

CeGaT Center for Human Genetics Tuebingen
Classification: Benign. Last evaluated: 2026-09-01. Review status: criteria provided, single submitter. Criteria: CeGaT Center For Human Genetics Tuebingen Variant Classification Criteria Version 2. Collection method: clinical testing. Allele origin: germline. Affected: yes. Observed: 83 variant alleles.
Comment: ANKRD11: BP4, BS1, BS2

Women's Health and Genetics/Laboratory Corporation of America, LabCorp
Classification: Likely benign. Last evaluated: 2026-05-11. Review status: criteria provided, single submitter. Criteria: LabCorp Variant Classification Summary - May 2015. Collection method: clinical testing. Allele origin: germline.

Labcorp Genetics (formerly Invitae), Labcorp
Classification: Benign for KBG syndrome. Last evaluated: 2026-02-02. Review status: criteria provided, single submitter. Criteria: Invitae Variant Classification Sherloc (09022015). Collection method: clinical testing. Allele origin: germline.

Blueprint Genetics
Classification: Likely benign. Last evaluated: 2024-11-22. Review status: criteria provided, single submitter. Criteria: ACMG Guidelines, 2015. Collection method: clinical testing. Allele origin: germline.

Genome-Nilou Lab
Classification: Benign for KBG syndrome. Last evaluated: 2021-12-05. Review status: criteria provided, single submitter. Criteria: ACMG Guidelines, 2015. Collection method: clinical testing. Allele origin: germline. Affected: no.

Genetic Services Laboratory, University of Chicago
Classification: Benign. Last evaluated: 2019-10-30. Review status: criteria provided, single submitter. Criteria: ACMG Guidelines, 2015. Collection method: clinical testing. Allele origin: germline. Affected: no.

GeneDx
Classification: Benign. Last evaluated: 2018-12-04. Review status: criteria provided, single submitter. Criteria: GeneDx Variant Classification Process June 2021. Collection method: clinical testing. Allele origin: germline. Affected: yes.
Comment: This variant is associated with the following publications: (PMID: 27055092)

Athena Diagnostics
Classification: Benign. Last evaluated: 2018-10-02. Review status: criteria provided, single submitter. Criteria: Athena Diagnostics Criteria. Collection method: clinical testing. Allele origin: germline.

Ambry Genetics
Classification: Benign for Inborn genetic diseases. Last evaluated: 2018-07-27. Review status: criteria provided, single submitter. Criteria: Ambry Variant Classification Scheme 2023. Collection method: clinical testing. Allele origin: germline.

Breakthrough Genomics
Classification: Benign. Review status: criteria provided, single submitter. Criteria: ACMG Guidelines, 2015. Collection method: not provided. Allele origin: germline. Inheritance: Autosomal dominant inheritance. Affected: yes.

PreventionGenetics, part of Exact Sciences
Classification: Benign for ANKRD11-related condition. Last evaluated: 2022-12-29. Review status: no assertion criteria provided. Collection method: clinical testing. Allele origin: germline. Not counted in ClinVar's aggregate classification.
Comment: This variant is classified as benign based on ACMG/AMP sequence variant interpretation guidelines (Richards et al. 2015 PMID: 25741868, with internal and published modifications).

Clinical Genetics DNA and cytogenetics Diagnostics Lab, Erasmus MC, Erasmus Medical Center
Classification: Likely benign. Review status: no assertion criteria provided. Collection method: clinical testing. Allele origin: germline. Affected: yes. Study: VKGL Data-share Consensus. Not counted in ClinVar's aggregate classification.

Laboratory of Diagnostic Genome Analysis, Leiden University Medical Center (LUMC)
Classification: Likely benign. Review status: no assertion criteria provided. Collection method: clinical testing. Allele origin: germline. Affected: yes. Study: VKGL Data-share Consensus. Not counted in ClinVar's aggregate classification.

Literature cited by the submitters: PubMed 27055092 (cited by Athena Diagnostics); PubMed 15523620 (cited by Athena Diagnostics); PubMed 21782149 (cited by Ambry Genetics).